The following is an entry in ClinVar:

NM_000194.3(HPRT1):c.239A>G (p.Asp80Gly)

Gene: HPRT1 (hypoxanthine phosphoribosyltransferase 1; plus strand). Cytogenetic location: Xq26.2.
Variant type: single nucleotide variant.
Coding change: c.239A>G on transcript NM_000194.3 (MANE Select); coding-DNA position 239, A replaced by G.
Protein change: p.Asp80Gly; replaces aspartic acid 80 with glycine.
Molecular consequence: missense variant.
Genome position (GRCh38, 1-based): chrX:134,475,285, A>G. VCF-style: chrX-134475285-A-G. GRCh37 (hg19) VCF-style: chrX-133609315-A-G.
Other names: short protein forms D80G.
Identifiers: ClinVar variation 4854477 (VCV004854477.1).

ClinVar aggregate classification (germline): Likely pathogenic (1 of 4 stars; one submission).

Conditions:
Lesch-Nyhan syndrome (LNS). Also called: HPRT DEFICIENCY, COMPLETE; Lesch-Nyhan Disease (LND). Identifiers: Orphanet 510, MedGen C0023374, MONDO:0010298, OMIM 300322.

Submission:

3billion
Classification: Likely pathogenic for Lesch-Nyhan syndrome. Last evaluated: 2025-08-15. Review status: criteria provided, single submitter. Criteria: ACMG Guidelines, 2015. Collection method: clinical testing. Allele origin: germline. Affected: yes.
Comment: The variant is not observed in the gnomAD v4.1.0 dataset. Predicted Consequence/Location: The variant is located in a mutational hot spot and/or well-established functional domain in which established pathogenic variants have been reported. In silico tool predictions suggest damaging effect of the variant on gene or gene product [REVEL: 0.79 (>=0.6, sensitivity 0.68 and specificity 0.92); 3Cnet: 0.99 (> 0.75, sensitivity 0.96 and precision 0.92)]. Different missense changes at the same codon (p.Asp80Tyr, p.Asp80Val) have been reported as pathogenic/likely pathogenic with strong evidence (ClinVar ID: VCV000010030, VCV004526884 /PMID: 2738157). Therefore, this variant is classified as Likely pathogenic according to the recommendation of ACMG/AMP guideline.

Literature cited by the submitters: PubMed 2738157.